The following is an entry in ClinVar:

NM_138295.5(PKD1L1):c.5160T>C (p.His1720=)

Gene: PKD1L1 (polycystin 1 like 1, transient receptor potential channel interacting; minus strand). Cytogenetic location: 7p12.3.
Variant type: single nucleotide variant.
Coding change: c.5160T>C on transcript NM_138295.5 (MANE Select); coding-DNA position 5160, T replaced by C.
Protein change: p.His1720=; no amino-acid change (histidine 1720 retained).
Molecular consequence: synonymous variant.
Genome position (GRCh38, 1-based): chr7:47,845,072, A>G on the plus strand (T>C on the coding strand, the complement: PKD1L1 is on the minus strand). VCF-style: chr7-47845072-A-G. GRCh37 (hg19) VCF-style: chr7-47884670-A-G.
Identifiers: ClinVar variation 4978935 (VCV004978935.1).

ClinVar aggregate classification (germline): Likely benign (1 of 4 stars; one submission).

Conditions:
PKD1L1-related disorder. Also called: PKD1L1-related condition.

gnomAD v4.1: 1 of 1,613,508 alleles (0.000062%); no homozygotes.

Submission:

PreventionGenetics, part of Exact Sciences
Classification: Likely benign for PKD1L1-related condition. Last evaluated: 2026-07-21. Review status: criteria provided, single submitter. Criteria: ACMG Guidelines, 2015. Collection method: clinical testing. Allele origin: germline.
Comment: This variant is classified as likely benign based on ACMG/AMP sequence variant interpretation guidelines (Richards et al. 2015 PMID: 25741868, with internal and published modifications).